The following is an entry in ClinVar:

NM_015681.6(B9D1):c.286G>A (p.Gly96Arg)

Gene: B9D1 (B9 domain containing 1; minus strand). Cytogenetic location: 17p11.2.
Variant type: single nucleotide variant.
Coding change: c.286G>A on transcript NM_015681.6 (MANE Select); coding-DNA position 286, G replaced by A.
Protein change: p.Gly96Arg; replaces glycine 96 with arginine.
Molecular consequence: missense variant. On other transcripts: 5 prime UTR variant (1).
Genome position (GRCh38, 1-based): chr17:19,347,839, C>T on the plus strand (G>A on the coding strand, the complement: B9D1 is on the minus strand). VCF-style: chr17-19347839-C-T. GRCh37 (hg19) VCF-style: chr17-19251152-C-T.
Other names: c.286G>A, p.Gly96Arg (NM_001321214.2, NM_001321215.3, NM_001321216.2 and 4 more transcripts); c.-75G>A (NM_001368769.2); short protein forms G96R.
Identifiers: ClinVar variation 2037640 (VCV002037640.3), dbSNP rs751788862, ClinGen allele CA8440280.
Genomic context (GRCh38, chr17:19,347,839, plus strand): 5'-CCTACCGGCCAGGTGAGAAGGGCACGTGCACGGCCCCATAGCCTCGAACCACATCGTTCC[C>T]GAACACATCTGGTCCATACACGCTGAGCACGATCTGTGGCCCTTGGGAAGGACAAGGCAG-3'
Protein context (NP_056496.1, residues 86-106): VLSVYGPDVF[Gly96Arg]NDVVRGYGAV

ClinVar aggregate classification (germline): Uncertain significance (1 of 4 stars; one submission).

Conditions:
Joubert syndrome. Also called: CEREBELLOPARENCHYMAL DISORDER IV; JOUBERT-BOLTSHAUSER SYNDROME; Familial aplasia of the vermis. Identifiers: Orphanet 475, MedGen C5979921, MONDO:0018772.
Meckel-Gruber syndrome. Also called: DYSENCEPHALIA SPLANCHNOCYSTICA; GRUBER SYNDROME; Dysencephalia splachnocystica. Identifiers: Orphanet 564, MedGen C0265215, MONDO:0018921.

Allele frequency attached by ClinVar (database versions not stated): gnomAD 0.00001; TOPMed 0.00001.
gnomAD v4.1: 20 of 1,613,966 alleles (0.0012%); highest among the groups gnomAD compares: Admixed American, 0.0083%; no homozygotes.

Submission:

Labcorp Genetics (formerly Invitae), Labcorp
Classification: Uncertain significance for Joubert syndrome; Meckel-Gruber syndrome. Last evaluated: 2023-07-07. Review status: criteria provided, single submitter. Criteria: Invitae Variant Classification Sherloc (09022015). Collection method: clinical testing. Allele origin: germline.
Comment: In summary, the available evidence is currently insufficient to determine the role of this variant in disease. Therefore, it has been classified as a Variant of Uncertain Significance. An algorithm developed to predict the effect of missense changes on protein structure and function (PolyPhen-2) suggests that this variant is likely to be disruptive. ClinVar contains an entry for this variant (Variation ID: 2037640). This variant has not been reported in the literature in individuals affected with B9D1-related conditions. This variant is present in population databases (rs751788862, gnomAD 0.006%). This sequence change replaces glycine, which is neutral and non-polar, with arginine, which is basic and polar, at codon 96 of the B9D1 protein (p.Gly96Arg).